The following is an entry in ClinVar:

NM_052989.3(IFT122):c.1207A>C (p.Ile403Leu)

Gene: IFT122 (intraflagellar transport 122; plus strand). Cytogenetic location: 3q21.3.
Variant type: single nucleotide variant.
Coding change: c.1207A>C on transcript NM_052989.3 (MANE Select); coding-DNA position 1207, A replaced by C.
Protein change: p.Ile403Leu; replaces isoleucine 403 with leucine.
Molecular consequence: missense variant.
Genome position (GRCh38, 1-based): chr3:129,478,075, A>C. VCF-style: chr3-129478075-A-C. GRCh37 (hg19) VCF-style: chr3-129196918-A-C.
Other names: c.1183A>C, p.Ile395Leu (NM_001280541.2); c.757A>C, p.Ile253Leu (NM_001280545.2); c.580A>C, p.Ile194Leu (NM_001280546.2); c.1030A>C, p.Ile344Leu (NM_018262.4); c.1360A>C, p.Ile454Leu (NM_052985.4); c.874A>C, p.Ile292Leu (NM_052990.3); c.1360A>C (NM_052985.2); short protein forms I194L, I253L, I292L, I344L, I395L, I403L, I454L.
Identifiers: ClinVar variation 1010568 (VCV001010568.6), dbSNP rs149915993, ClinGen allele CA2606106.

ClinVar aggregate classification (germline): Uncertain significance. Review status: criteria provided, multiple submitters, no conflicts (2 of 4 stars). 4 submissions from 4 submitters: Uncertain significance (4). Last evaluated 2024-09-01.

Conditions:
Inborn genetic diseases. Identifiers: MedGen C0950123, MeSH D030342.
Cranioectodermal dysplasia 1 (CED1). Also called: LEVIN SYNDROME I. Identifiers: Orphanet 1515, MedGen C0432235, MONDO:0021093, OMIM 218330.

Allele frequency attached by ClinVar (database versions not stated): gnomAD 0.00003; TOPMed 0.00006; gnomAD exomes 0.00007; ExAC 0.00008; ESP Exome Variant Server 0.00008.
gnomAD v4.1: 172 of 1,614,102 alleles (0.011%); highest among the groups gnomAD compares: Non-Finnish European, 0.014%; no homozygotes.

Submissions (4):

Blueprint Genetics
Classification: Uncertain significance. Last evaluated: 2024-09-01. Review status: criteria provided, single submitter. Criteria: ACMG Guidelines, 2015. Collection method: clinical testing. Allele origin: germline.

Fulgent Genetics
Classification: Uncertain significance for Cranioectodermal dysplasia 1. Last evaluated: 2024-06-18. Review status: criteria provided, single submitter. Criteria: ACMG Guidelines, 2015. Collection method: clinical testing. Allele origin: germline.

Labcorp Genetics (formerly Invitae), Labcorp
Classification: Uncertain significance for Cranioectodermal dysplasia 1. Last evaluated: 2022-09-19. Review status: criteria provided, single submitter. Criteria: Invitae Variant Classification Sherloc (09022015). Collection method: clinical testing. Allele origin: germline.
Comment: This sequence change replaces isoleucine, which is neutral and non-polar, with leucine, which is neutral and non-polar, at codon 454 of the IFT122 protein (p.Ile454Leu). This variant is present in population databases (rs149915993, gnomAD 0.02%). This variant has not been reported in the literature in individuals affected with IFT122-related conditions. ClinVar contains an entry for this variant (Variation ID: 1010568). Advanced modeling of protein sequence and biophysical properties (such as structural, functional, and spatial information, amino acid conservation, physicochemical variation, residue mobility, and thermodynamic stability) performed at Invitae indicates that this missense variant is not expected to disrupt IFT122 protein function. In summary, the available evidence is currently insufficient to determine the role of this variant in disease. Therefore, it has been classified as a Variant of Uncertain Significance.

Ambry Genetics
Classification: Uncertain significance for Inborn genetic diseases. Last evaluated: 2021-09-27. Review status: criteria provided, single submitter. Criteria: Ambry Variant Classification Scheme 2023. Collection method: clinical testing. Allele origin: germline.